The following is an entry in ClinVar:

ClinVar aggregate classification (germline): Uncertain significance. Review status: criteria provided, multiple submitters, no conflicts (2 of 4 stars). 2 submissions from 2 submitters: Uncertain significance (2). Last evaluated 2026-03-16.

Conditions:
AEBP1-related disorder. Also called: AEBP1-related condition.

Allele frequency attached by ClinVar (database versions not stated): gnomAD 0.00001; gnomAD exomes 0.00001; TOPMed 0.00001.
gnomAD v4.1: 9 of 1,613,600 alleles (0.00056%); highest among the groups gnomAD compares: East Asian, 0.013%; no homozygotes.

Submissions (2):

Women's Health and Genetics/Laboratory Corporation of America, LabCorp
Classification: Uncertain significance. Last evaluated: 2026-03-16. Review status: criteria provided, single submitter. Criteria: LabCorp Variant Classification Summary - May 2015. Collection method: clinical testing. Allele origin: germline.
Comment: Variant summary: AEBP1 c.1355C>G (p.Thr452Ser) results in a conservative amino acid change in the encoded protein sequence. Algorithms developed to predict the effect of missense changes on protein structure and function are either unavailable or do not agree on the potential impact of this missense change. The variant allele was found at a frequency of 2.4e-05 in 250868 control chromosomes. The available data on variant occurrences in the general population are insufficient to allow any conclusion about variant significance. To our knowledge, no occurrence of c.1355C>G in individuals affected with AEBP1-related conditions and no experimental evidence demonstrating its impact on protein function have been reported. ClinVar contains an entry for this variant (Variation ID: 2633835). Based on the evidence outlined above, the variant was classified as uncertain significance.

PreventionGenetics, part of Exact Sciences
Classification: Uncertain significance for AEBP1-related condition. Last evaluated: 2023-03-24. Review status: criteria provided, single submitter. Criteria: ACMG Guidelines, 2015. Collection method: clinical testing. Allele origin: germline.
Comment: The AEBP1 c.1355C>G variant is predicted to result in the amino acid substitution p.Thr452Ser. To our knowledge, this variant has not been reported in the literature. This variant is reported in 0.025% of alleles in individuals of East Asian descent in gnomAD. At this time, the clinical significance of this variant is uncertain due to the absence of conclusive functional and genetic evidence.

NM_001129.5(AEBP1):c.1355C>G (p.Thr452Ser)

Gene: AEBP1 (AE binding protein 1; plus strand). Cytogenetic location: 7p13.
Variant type: single nucleotide variant.
Coding change: c.1355C>G on transcript NM_001129.5 (MANE Select); coding-DNA position 1355, C replaced by G.
Protein change: p.Thr452Ser; replaces threonine 452 with serine.
Molecular consequence: missense variant.
Genome position (GRCh38, 1-based): chr7:44,110,301, C>G. VCF-style: chr7-44110301-C-G. GRCh37 (hg19) VCF-style: chr7-44149900-C-G.
Other names: short protein forms T452S.
Identifiers: ClinVar variation 2633835 (VCV002633835.2), dbSNP rs753443704, ClinGen allele CA4237865.